The following is an entry in ClinVar:

NM_001136191.3(KANK2):c.2269G>T (p.Ala757Ser)

Gene: KANK2 (KN motif and ankyrin repeat domains 2; minus strand). Cytogenetic location: 19p13.2.
Variant type: single nucleotide variant.
Coding change: c.2269G>T on transcript NM_001136191.3 (MANE Select); coding-DNA position 2269, G replaced by T.
Protein change: p.Ala757Ser; replaces alanine 757 with serine.
Molecular consequence: missense variant.
Genome position (GRCh38, 1-based): chr19:11,170,191, C>A on the plus strand (G>T on the coding strand, the complement: KANK2 is on the minus strand). VCF-style: chr19-11170191-C-A. GRCh37 (hg19) VCF-style: chr19-11280867-C-A.
Other names: c.2293G>T, p.Ala765Ser (NM_001379549.1, NM_001379550.1, NM_001379551.1 and 5 more transcripts); c.2269G>T, p.Ala757Ser (NM_001379555.1, NM_001379556.1, NM_001379557.1 and 7 more transcripts); short protein forms A757S, A765S.
Identifiers: ClinVar variation 2711433 (VCV002711433.3), dbSNP rs2078134869, ClinGen allele CA404078067.

ClinVar aggregate classification (germline): Uncertain significance (1 of 4 stars; one submission).

Submission:

Labcorp Genetics (formerly Invitae), Labcorp
Classification: Uncertain significance. Last evaluated: 2024-01-25. Review status: criteria provided, single submitter. Criteria: Invitae Variant Classification Sherloc (09022015). Collection method: clinical testing. Allele origin: germline.
Comment: This sequence change replaces alanine, which is neutral and non-polar, with serine, which is neutral and polar, at codon 757 of the KANK2 protein (p.Ala757Ser). This variant is not present in population databases (gnomAD no frequency). This variant has not been reported in the literature in individuals affected with KANK2-related conditions. An algorithm developed to predict the effect of missense changes on protein structure and function (PolyPhen-2) suggests that this variant is likely to be disruptive. In summary, the available evidence is currently insufficient to determine the role of this variant in disease. Therefore, it has been classified as a Variant of Uncertain Significance.